The following is an entry in ClinVar:

ClinVar aggregate classification (germline): Likely benign. Review status: criteria provided, multiple submitters, no conflicts (2 of 4 stars). 3 submissions from 3 submitters: Likely benign (3). Last evaluated 2026-02-01.

Conditions:
Cardiomyopathy (CMYO). Also called: Cardiomyopathies. Identifiers: Orphanet 167848, MedGen C0878544, MONDO:0004994, HP:0001638. Inheritance: Various modes of inheritance.
Catecholaminergic polymorphic ventricular tachycardia 1. Also called: VENTRICULAR TACHYCARDIA, STRESS-INDUCED POLYMORPHIC 1; VENTRICULAR TACHYCARDIA, CATECHOLAMINERGIC POLYMORPHIC, 1, WITH OR WITHOUT ATRIAL DYSFUNCTION AND/OR DILATED CARDIOMYOPATHY; RYR2-Related Catecholaminergic Polymorphic Ventricular Tachycardia. Identifiers: Orphanet 3286, MedGen C1631597, MONDO:0011484, OMIM 604772.

Allele frequency attached by ClinVar (database versions not stated): gnomAD exomes below 0.00001.
gnomAD v4.1: 2 of 1,589,754 alleles (0.00013%); highest among the groups gnomAD compares: Admixed American, 0.0018%; no homozygotes.

Submissions (3):

CeGaT Center for Human Genetics Tuebingen
Classification: Likely benign. Last evaluated: 2026-02-01. Review status: criteria provided, single submitter. Criteria: CeGaT Center For Human Genetics Tuebingen Variant Classification Criteria Version 2. Collection method: clinical testing. Allele origin: germline. Affected: yes. Observed: 1 variant allele.
Comment: RYR2: BP4, BP7

Labcorp Genetics (formerly Invitae), Labcorp
Classification: Likely benign for Catecholaminergic polymorphic ventricular tachycardia 1. Last evaluated: 2026-01-07. Review status: criteria provided, single submitter. Criteria: Invitae Variant Classification Sherloc (09022015). Collection method: clinical testing. Allele origin: germline.

Color Diagnostics, LLC DBA Color Health
Classification: Likely benign for Cardiomyopathy. Last evaluated: 2025-09-22. Review status: criteria provided, single submitter. Criteria: ACMG Guidelines, 2015. Collection method: clinical testing. Allele origin: germline.

NM_001035.3(RYR2):c.7791A>G (p.Pro2597=)

Gene: RYR2 (ryanodine receptor 2; plus strand). Cytogenetic location: 1q43.
Variant type: single nucleotide variant.
Coding change: c.7791A>G on transcript NM_001035.3 (MANE Select); coding-DNA position 7791, A replaced by G.
Protein change: p.Pro2597=; no amino-acid change (proline 2597 retained).
Molecular consequence: synonymous variant.
Genome position (GRCh38, 1-based): chr1:237,651,468, A>G. VCF-style: chr1-237651468-A-G. GRCh37 (hg19) VCF-style: chr1-237814768-A-G.
Identifiers: ClinVar variation 2961144 (VCV002961144.8), dbSNP rs1308108478, ClinGen allele CA423820233.